The following is an entry in ClinVar:

ClinVar aggregate classification (germline): Benign. Review status: criteria provided, multiple submitters, no conflicts (2 of 4 stars). 3 submissions from 3 submitters: Benign (2). 1 of the submissions does not count toward it. Last evaluated 2021-02-23.

Conditions:
CASP9-related disorder. Also called: CASP9-related condition.

Allele frequency attached by ClinVar (database versions not stated): ExAC 0.50256; gnomAD exomes 0.50349 and 0.52982; TOPMed 0.58041; 1000 Genomes Project 30x 0.58151; 1000 Genomes Project 0.58466; gnomAD 0.58703 and 0.59388.

Submissions (3):

GeneDx
Classification: Benign. Last evaluated: 2021-02-23. Review status: criteria provided, single submitter. Criteria: GeneDx Variant Classification Process June 2021. Collection method: clinical testing. Allele origin: germline. Affected: yes.
Comment: This variant is associated with the following publications: (PMID: 27984487)

Breakthrough Genomics
Classification: Benign. Review status: criteria provided, single submitter. Criteria: ACMG Guidelines, 2015. Collection method: not provided. Allele origin: germline. Inheritance: Unknown mechanism. Affected: yes.

PreventionGenetics, part of Exact Sciences
Classification: Benign for CASP9-related condition. Last evaluated: 2019-10-18. Review status: no assertion criteria provided. Collection method: clinical testing. Allele origin: germline. Not counted in ClinVar's aggregate classification.
Comment: This variant is classified as benign based on ACMG/AMP sequence variant interpretation guidelines (Richards et al. 2015 PMID: 25741868, with internal and published modifications).

NM_001229.5(CASP9):c.83C>T (p.Ala28Val)

Gene: CASP9 (caspase 9; minus strand). Cytogenetic location: 1p36.21.
Variant type: single nucleotide variant.
Coding change: c.83C>T on transcript NM_001229.5 (MANE Select); coding-DNA position 83, C replaced by T.
Protein change: p.Ala28Val; replaces alanine 28 with valine.
Molecular consequence: missense variant. On other transcripts: non-coding transcript variant (2), intron variant (1).
Genome position (GRCh38, 1-based): chr1:15,524,118, G>A on the plus strand (C>T on the coding strand, the complement: CASP9 is on the minus strand). VCF-style: chr1-15524118-G-A. GRCh37 (hg19) VCF-style: chr1-15850613-G-A.
Other names: c.83C>T, p.Ala28Val (NM_001278054.2); c.-118+465C>T (NM_032996.3); short protein forms A28V.
Identifiers: ClinVar variation 1275295 (VCV001275295.4), dbSNP rs1052571, ClinGen allele CA614750.